The following is an entry in ClinVar:

ClinVar aggregate classification (germline): Uncertain significance (1 of 4 stars; one submission).

Allele frequency attached by ClinVar (database versions not stated): ExAC 0.00002; gnomAD 0.00003; gnomAD exomes 0.00003; TOPMed 0.00003; ESP Exome Variant Server 0.00008.
gnomAD v4.1: 51 of 1,614,062 alleles (0.0032%); highest among the groups gnomAD compares: African/African-American, 0.004%; no homozygotes.

Submission:

Labcorp Genetics (formerly Invitae), Labcorp
Classification: Uncertain significance. Last evaluated: 2025-01-02. Review status: criteria provided, single submitter. Criteria: Invitae Variant Classification Sherloc (09022015). Collection method: clinical testing. Allele origin: germline.
Comment: This sequence change replaces arginine, which is basic and polar, with tryptophan, which is neutral and slightly polar, at codon 454 of the TBX4 protein (p.Arg454Trp). This variant is present in population databases (rs370445781, gnomAD 0.004%). This variant has not been reported in the literature in individuals affected with TBX4-related conditions. ClinVar contains an entry for this variant (Variation ID: 1927452). Invitae Evidence Modeling of protein sequence and biophysical properties (such as structural, functional, and spatial information, amino acid conservation, physicochemical variation, residue mobility, and thermodynamic stability) indicates that this missense variant is not expected to disrupt TBX4 protein function with a negative predictive value of 95%. In summary, the available evidence is currently insufficient to determine the role of this variant in disease. Therefore, it has been classified as a Variant of Uncertain Significance.

NM_001321120.2(TBX4):c.1363C>T (p.Arg455Trp)

Gene: TBX4 (T-box transcription factor 4; plus strand). Cytogenetic location: 17q23.2.
Variant type: single nucleotide variant.
Coding change: c.1363C>T on transcript NM_001321120.2 (MANE Select); coding-DNA position 1363, C replaced by T.
Protein change: p.Arg455Trp; replaces arginine 455 with tryptophan.
Molecular consequence: missense variant.
Genome position (GRCh38, 1-based): chr17:61,483,238, C>T. VCF-style: chr17-61483238-C-T. GRCh37 (hg19) VCF-style: chr17-59560599-C-T.
Other names: c.1360C>T, p.Arg454Trp (NM_018488.3); short protein forms R454W, R455W.
Identifiers: ClinVar variation 1927452 (VCV001927452.4), dbSNP rs370445781, ClinGen allele CA8690080.